The following is an entry in ClinVar:

ClinVar aggregate classification (germline): Pathogenic. Review status: criteria provided, single submitter (1 of 4 stars). 2 submissions from 2 submitters: Pathogenic (1). 1 of the submissions does not count toward it. Last evaluated 2021-10-02.

Conditions:
Dejerine-Sottas disease. Also called: HMSN Type III; DEJERINE-SOTTAS NEUROPATHY; HEREDITARY MOTOR AND SENSORY NEUROPATHY TYPE III; Charcot-Marie-Tooth disease type 3; Hereditary motor and sensory neuropathy 3. Identifiers: Orphanet 64748, MedGen C0011195, MONDO:0007790, OMIM 145900.

Submissions (2):

3billion
Classification: Pathogenic for Dejerine-Sottas disease. Last evaluated: 2021-10-02. Review status: criteria provided, single submitter. Criteria: ACMG Guidelines, 2015. Collection method: clinical testing. Allele origin: germline. Affected: yes. Observed: 1 heterozygote.
Comment: The missense variant is located in a mutational hot spot and/or well-established functional domain in which established pathogenic variants have been reported (PM1). It is not observed in the gnomAD v2.1.1 dataset (PM2). A different missense change at the same codon (p.Gly100Gln) has been reported as pathogenic/likely pathogenic with strong evidence (PMID:9585367, PM5). The variant was observed as assumed (i.e. paternity and maternity not confirmed) de novoo (3billion dataset, PM6). In silico tool predictions suggest damaging effect of the variant on gene or gene product (REVEL: 0.956, 3Cnet: 0.994, PP3). Patient's phenotype is considered compatible with Hypertrophic Neuropathy of Dejerine-Sottas (3billion dataset, PP4). Therefore, this variant is classified as likely pathogenic according to the recommendation of ACMG/AMP guideline.

Inherited Neuropathy Consortium
Classification: Uncertain significance for Dejerine-Sottas disease. Review status: no assertion criteria provided. Collection method: literature only. Allele origin: germline. Affected: yes. Not counted in ClinVar's aggregate classification.

Literature cited by the submitters: PubMed 9585367 (cited by 3billion); PubMed 9187667 (cited by Inherited Neuropathy Consortium).

NM_000304.4(PMP22):c.298G>A (p.Gly100Arg)

Gene: PMP22 (peripheral myelin protein 22; minus strand). Cytogenetic location: 17p12.
Variant type: single nucleotide variant.
Coding change: c.298G>A on transcript NM_000304.4 (MANE Select); coding-DNA position 298, G replaced by A.
Protein change: p.Gly100Arg; replaces glycine 100 with arginine.
Molecular consequence: missense variant. On other transcripts: non-coding transcript variant (2).
Genome position (GRCh38, 1-based): chr17:15,239,492, C>T on the plus strand (G>A on the coding strand, the complement: PMP22 is on the minus strand). VCF-style: chr17-15239492-C-T. GRCh37 (hg19) VCF-style: chr17-15142809-C-T.
Other names: c.298G>A, p.Gly100Arg (NM_001281455.2, NM_001281456.2, NM_001330143.2 and 2 more transcripts); short protein forms G100R.
Identifiers: ClinVar variation 637820 (VCV000637820.2), dbSNP rs1597607651, ClinGen allele CA398267436.
Genomic context (GRCh38, chr17:15,239,492, plus strand): 5'-CACCCCGCTTCCACATGGACTTTACCATCCACAACTTACCAGCAAGAATTTGGAAGATTC[C>T]AGTGATGTAAAACCTGCCCCCCTTGGTGAGGGTGAAGAGTTGGCAGAAGAACAGGAACAG-3'
Protein context (NP_000295.1, residues 90-110): LTKGGRFYIT[Gly100Arg]IFQILAGLCV